The following is an entry in ClinVar:

ClinVar aggregate classification (germline): Conflicting classifications of pathogenicity. Review status: criteria provided, conflicting classifications (1 of 4 stars). 4 submissions from 4 submitters: Pathogenic (1); Likely pathogenic (1); Uncertain significance (1). 1 of the submissions does not count toward it. Last evaluated 2025-10-26.

Conditions:
Hypertrophic cardiomyopathy 26. Also called: Cardiomyopathy, familial hypertrophic, 26. Identifiers: Orphanet 75249, MedGen C4310749, MONDO:0014883, OMIM 617047.
Myofibrillar myopathy 5. Also called: FILAMINOPATHY, AUTOSOMAL DOMINANT; Filaminopathy (type). Identifiers: Orphanet 171445, MedGen C1836050, MONDO:0012289, OMIM 609524.
Distal myopathy with posterior leg and anterior hand involvement. Also called: WILLIAMS DISTAL MYOPATHY. Identifiers: Orphanet 63273, MedGen C3279722, MONDO:0013550, OMIM 614065.

Submissions (4):

Labcorp Genetics (formerly Invitae), Labcorp
Classification: Likely pathogenic for Distal myopathy with posterior leg and anterior hand involvement; Myofibrillar myopathy 5; Hypertrophic cardiomyopathy 26. Last evaluated: 2025-10-26. Review status: criteria provided, single submitter. Criteria: Invitae Variant Classification Sherloc (09022015). Collection method: clinical testing. Allele origin: germline.
Comment: This variant, c.2789_2800del, results in the deletion of 4 amino acid(s) of the FLNC protein (p.Val930_Thr933del), but otherwise preserves the integrity of the reading frame. This variant is not present in population databases (gnomAD no frequency). This variant has been observed in individuals with myofibrillar myopathy (PMID: 19050726, 22961544, 25208129). It has also been observed to segregate with disease in related individuals. ClinVar contains an entry for this variant (Variation ID: 18467). Algorithms developed to predict the effect of variants on gene product structure and function are not available or were not evaluated for this variant. Experimental studies have shown that this variant affects FLNC function (PMID: 22961544). In summary, the currently available evidence indicates that the variant is pathogenic, but additional data are needed to prove that conclusively. Therefore, this variant has been classified as Likely Pathogenic.

Department of Human Genetics, Hannover Medical School
Classification: Pathogenic for Myofibrillar myopathy 5. Last evaluated: 2022-08-17. Review status: criteria provided, single submitter. Criteria: ACMG Guidelines, 2015. Collection method: clinical testing. Allele origin: germline. Inheritance: Autosomal dominant inheritance. Affected: yes.

Revvity Omics, Revvity
Classification: Uncertain significance. Last evaluated: 2019-09-06. Review status: criteria provided, single submitter. Criteria: ACMG Guidelines, 2015. Collection method: clinical testing. Allele origin: germline.

OMIM
Classification: Pathogenic for MYOPATHY, MYOFIBRILLAR, 5. Last evaluated: 2009-05-01. Review status: no assertion criteria provided. Collection method: literature only. Allele origin: germline. Not counted in ClinVar's aggregate classification.

Literature cited by the submitters: PubMed 19050726 (cited by Labcorp Genetics (formerly Invitae), Labcorp and OMIM); PubMed 22961544 (cited by Labcorp Genetics (formerly Invitae), Labcorp); PubMed 25208129 (cited by Labcorp Genetics (formerly Invitae), Labcorp).

NM_001458.5(FLNC):c.2789_2800del (p.Val930_Thr933del)

Gene: FLNC (filamin C; plus strand). Cytogenetic location: 7q32.1.
Variant type: Deletion.
Coding change: c.2789_2800del on transcript NM_001458.5 (MANE Select); coding-DNA positions 2789 to 2800, 12 bases deleted (TCAAGTACACCG).
Protein change: p.Val930_Thr933del.
Molecular consequence: inframe deletion.
Genome position (GRCh38, 1-based): chr7:128,843,555-128,843,566, TCAAGTACACCG deleted; deleting any 12 consecutive bases within chr7:128,843,554-128,843,566 gives the same sequence; the c. name uses the placement nearest the transcript's 3' end. VCF-style (leftmost placement, unchanged base first): chr7-128843553-TGTCAAGTACACC-T. GRCh37 (hg19) VCF-style: chr7-128483607-TGTCAAGTACACC-T.
Other names: c.2789_2800delTCAAGTACACCG (NM_001458.4); c.2789_2800del (NM_001458.4); c.2997_3008del (NM_001458.4); c.2789_2800del, p.Val930_Thr933del (NM_001127487.2).
Identifiers: ClinVar variation 18467 (VCV000018467.8), dbSNP rs1562995872, ClinGen allele CA913190164.
Genomic context (GRCh38, chr7:128,843,553, plus strand): 5'-AGCCAAGGGCGAGGTTGTGCGGGACTTTGAGATCATAGACAACCATGACTACTCCTACAC[TGTCAAGTACACC>T]GCTGTCCAGCAGGTGCGCTCTGCCCCTCCCATGCTACCGCCCGGCCGGCCCGCCAGAGCC-3'